The following is an entry in ClinVar:

NM_001001888.4(VCX3B):c.328C>G (p.Leu110Val)

Gene: VCX3B (variable charge X-linked 3B; plus strand). Cytogenetic location: Xp22.31.
Variant type: single nucleotide variant.
Coding change: c.328C>G on transcript NM_001001888.4 (MANE Select); coding-DNA position 328, C replaced by G.
Protein change: p.Leu110Val; replaces leucine 110 with valine.
Molecular consequence: missense variant.
Genome position (GRCh38, 1-based): chrX:8,465,970, C>G. VCF-style: chrX-8465970-C-G. GRCh37 (hg19) VCF-style: chrX-8434011-C-G.
Other names: short protein forms L110V.
Identifiers: ClinVar variation 2361638 (VCV002361638.27), dbSNP rs1339256775, ClinGen allele CA10343274.

ClinVar aggregate classification (germline): Conflicting classifications of pathogenicity. Review status: criteria provided, conflicting classifications (1 of 4 stars). 2 submissions from 2 submitters: Uncertain significance (1); Likely benign (1). Last evaluated 2024-04-17.

Submissions (2):

Ambry Genetics
Classification: Uncertain significance. Last evaluated: 2024-04-17. Review status: criteria provided, single submitter. Criteria: Ambry Variant Classification Scheme 2023. Collection method: clinical testing. Allele origin: germline.

CeGaT Center for Human Genetics Tuebingen
Classification: Likely benign. Last evaluated: 2022-11-01. Review status: criteria provided, single submitter. Criteria: CeGaT Center For Human Genetics Tuebingen Variant Classification Criteria Version 2. Collection method: clinical testing. Allele origin: germline. Affected: yes. Observed: 1 variant allele.
Comment: VCX3B: BP4, BS2